The following is an entry in ClinVar:

NM_014384.3(ACAD8):c.584C>A (p.Ala195Asp)

Gene: ACAD8 (acyl-CoA dehydrogenase family member 8; plus strand). Cytogenetic location: 11q25.
Variant type: single nucleotide variant.
Coding change: c.584C>A on transcript NM_014384.3 (MANE Select); coding-DNA position 584, C replaced by A.
Protein change: p.Ala195Asp; replaces alanine 195 with aspartic acid.
Molecular consequence: missense variant.
Genome position (GRCh38, 1-based): chr11:134,259,624, C>A. VCF-style: chr11-134259624-C-A. GRCh37 (hg19) VCF-style: chr11-134129518-C-A.
Other names: short protein forms A195D.
Identifiers: ClinVar variation 1388287 (VCV001388287.9), dbSNP rs774591276, ClinGen allele CA6373015.

ClinVar aggregate classification (germline): Uncertain significance (1 of 4 stars; one submission).

Conditions:
Deficiency of isobutyryl-CoA dehydrogenase. Also called: ACYL-CoA DEHYDROGENASE FAMILY, MEMBER 8, DEFICIENCY OF; IBD DEFICIENCY; ACAD8 DEFICIENCY. Identifiers: Orphanet 79159, MedGen C1969809, MONDO:0012648, OMIM 611283.

Allele frequency attached by ClinVar (database versions not stated): gnomAD exomes below 0.00001; ExAC 0.00001.

Submissions (2):

Labcorp Genetics (formerly Invitae), Labcorp
Classification: Uncertain significance for Deficiency of isobutyryl-CoA dehydrogenase. Last evaluated: 2021-08-07. Review status: criteria provided, single submitter. Criteria: Invitae Variant Classification Sherloc (09022015). Collection method: clinical testing. Allele origin: germline.
Comment: This sequence change replaces alanine with aspartic acid at codon 195 of the ACAD8 protein (p.Ala195Asp). The alanine residue is weakly conserved and there is a moderate physicochemical difference between alanine and aspartic acid. This variant is present in population databases (rs774591276, ExAC 0.01%). This variant has not been reported in the literature in individuals with ACAD8-related conditions. Algorithms developed to predict the effect of missense changes on protein structure and function are either unavailable or do not agree on the potential impact of this missense change (SIFT: "Deleterious"; PolyPhen-2: "Possibly Damaging"; Align-GVGD: "Class C15"). In summary, the available evidence is currently insufficient to determine the role of this variant in disease. Therefore, it has been classified as a Variant of Uncertain Significance.

Dr. Peter K. Rogan Lab, Western University
No classification provided (evidence only). Condition: Familial cancer of breast. Review status: no classification provided. Collection method: in vitro. Allele origin: not applicable. Functional consequence: retained intron. Not counted in ClinVar's aggregate classification.